The following is an entry in ClinVar:

ClinVar aggregate classification (germline): Benign/Likely benign. Review status: criteria provided, multiple submitters, no conflicts (2 of 4 stars). 3 submissions from 3 submitters: Benign (1); Likely benign (2). Last evaluated 2025-11-24.

Conditions:
Age related macular degeneration 1 (ARMD1). Also called: MACULOPATHY, AGE-RELATED, 1. Identifiers: MedGen C1864205, MONDO:0011285, OMIM 603075.

Allele frequency attached by ClinVar (database versions not stated): gnomAD 0.00011 and 0.00020; gnomAD exomes 0.00016 and 0.00058; TOPMed 0.00019; ExAC 0.00056; 1000 Genomes Project 0.00120; 1000 Genomes Project 30x 0.00125.
gnomAD v4.1: 267 of 1,603,782 alleles (0.017%); highest among the groups gnomAD compares: East Asian, 0.56%; no homozygotes.

Submissions (3):

Labcorp Genetics (formerly Invitae), Labcorp
Classification: Benign. Last evaluated: 2025-11-24. Review status: criteria provided, single submitter. Criteria: Invitae Variant Classification Sherloc (09022015). Collection method: clinical testing. Allele origin: germline.

Genome-Nilou Lab
Classification: Likely benign for Age related macular degeneration 1. Last evaluated: 2023-04-11. Review status: criteria provided, single submitter. Criteria: ACMG Guidelines, 2015. Collection method: clinical testing. Allele origin: germline. Affected: no.

Illumina Laboratory Services, Illumina
Classification: Likely benign for Age related macular degeneration 1. Last evaluated: 2018-01-13. Review status: criteria provided, single submitter. Criteria: ICSL Variant Classification Criteria 13 December 2019. Collection method: clinical testing. Allele origin: germline.
Comment: This variant was observed in the ICSL laboratory as part of a predisposition screen in an ostensibly healthy population. It had not been previously curated by ICSL or reported in the Human Gene Mutation Database (HGMD: prior to June 1st, 2018), and was therefore a candidate for classification through an automated scoring system. Utilizing variant allele frequency, disease prevalence and penetrance estimates, and inheritance mode, an automated score was calculated to assess if this variant is too frequent to cause the disease. Based on the score and internal cut-off values, a variant classified as likely benign is not then subjected to further curation. The score for this variant resulted in a classification of likely benign for this disease.

NM_031935.3(HMCN1):c.5922G>C (p.Gln1974His)

Gene: HMCN1 (hemicentin 1; plus strand). Cytogenetic location: 1q31.1.
Variant type: single nucleotide variant.
Coding change: c.5922G>C on transcript NM_031935.3 (MANE Select); coding-DNA position 5922, G replaced by C.
Protein change: p.Gln1974His; replaces glutamine 1974 with histidine.
Molecular consequence: missense variant.
Genome position (GRCh38, 1-based): chr1:186,038,899, G>C. VCF-style: chr1-186038899-G-C. GRCh37 (hg19) VCF-style: chr1-186008031-G-C.
Other names: short protein forms Q1974H.
Identifiers: ClinVar variation 294167 (VCV000294167.13), dbSNP rs147974906, ClinGen allele CA1292419.